The following is an entry in ClinVar:

NM_000135.4(FANCA):c.142G>A (p.Val48Met)

Gene: FANCA (FA complementation group A; minus strand). Cytogenetic location: 16q24.3.
Variant type: single nucleotide variant.
Coding change: c.142G>A on transcript NM_000135.4 (MANE Select); coding-DNA position 142, G replaced by A.
Protein change: p.Val48Met; replaces valine 48 with methionine.
Molecular consequence: missense variant.
Genome position (GRCh38, 1-based): chr16:89,815,924, C>T on the plus strand (G>A on the coding strand, the complement: FANCA is on the minus strand). VCF-style: chr16-89815924-C-T. GRCh37 (hg19) VCF-style: chr16-89882332-C-T.
Other names: c.142G>A, p.Val48Met (NM_001018112.3, NM_001286167.3, NM_001351830.2); short protein forms V48M.
Identifiers: ClinVar variation 3512735 (VCV003512735.1).

ClinVar aggregate classification (germline): Uncertain significance (1 of 4 stars; one submission).

Conditions:
Inborn genetic diseases. Identifiers: MedGen C0950123, MeSH D030342.

gnomAD v4.1: 1 of 1,614,164 alleles (0.000062%); highest among the groups gnomAD compares: Non-Finnish European, 0.000085%; no homozygotes.

Submission:

Ambry Genetics
Classification: Uncertain significance for Inborn genetic diseases. Last evaluated: 2024-12-10. Review status: criteria provided, single submitter. Criteria: Ambry Variant Classification Scheme 2023. Collection method: clinical testing. Allele origin: germline.
Comment: The p.V48M variant (also known as c.142G>A), located in coding exon 2 of the FANCA gene, results from a G to A substitution at nucleotide position 142. The valine at codon 48 is replaced by methionine, an amino acid with highly similar properties. This amino acid position is conserved. In addition, this alteration is predicted to be tolerated by in silico analysis. Based on the available evidence, the clinical significance of this variant remains unclear.